The following is an entry in ClinVar:

GRCh37/hg19 16p13.11(chr16:15449697-16519971)x1

Genes: ABCC1 (ATP binding cassette subfamily C member 1 (ABCC1 blood group); plus strand), ABCC6 (ATP binding cassette subfamily C member 6; minus strand), BMERB1 (bMERB domain containing 1; plus strand), CEP20 (centrosomal protein 20; minus strand), MARF1 (meiosis regulator and mRNA stability factor 1; minus strand) and 5 more. Cytogenetic location: 16p13.11.
Variant type: copy number loss.
Change: copy number 1 (one copy instead of two) of chr16:15,449,697-16,519,971 (1.07 Mb, GRCh37 coordinates, 1-based), cytogenetic band 16p13.11.
Identifiers: ClinVar variation 4682892 (VCV004682892.1).

ClinVar aggregate classification (germline): Pathogenic (1 of 4 stars; one submission).

Submission:

Quest Diagnostics Nichols Institute San Juan Capistrano
Classification: Pathogenic. Last evaluated: 2025-05-22. Review status: criteria provided, single submitter. Criteria: ACMG/ClinGen CNV Guidelines, 2019. Collection method: clinical testing. Allele origin: unknown.
Comment: This deletion is consistent with the recurrent deletion of 16p13.11 (BP2-BP3; ISCA-37415) (Granata 2022, Heinzen 2010, Nagamani 2011, Ullmann 2007). Inheritance from an unaffected or mildly affected parent has been reported. Thus, this copy number variant (CNV) is classified as pathogenic with reduced penetrance and variable expressivity. References: Granata et al., Front Genet. 2022 Mar 15;13:798607. PMID: 35368691 Heinzen et al., Am J Hum Genet. 2010 May 14;86(5):707-18. PMID: 20398883 Nagamani et al., Eur J Hum Genet. 2011 Mar;19(3):280-6. PMID: 21150890 Ullmann et al., Hum Mutat. 2007 Jul;28(7):674-82. PMID: 1748003515)